The following is an entry in ClinVar:

NM_000718.4(CACNA1B):c.6095C>G (p.Thr2032Ser)

Gene: CACNA1B (calcium voltage-gated channel subunit alpha1 B; plus strand). Cytogenetic location: 9q34.3.
Variant type: single nucleotide variant.
Coding change: c.6095C>G on transcript NM_000718.4 (MANE Select); coding-DNA position 6095, C replaced by G.
Protein change: p.Thr2032Ser; replaces threonine 2032 with serine.
Molecular consequence: missense variant.
Genome position (GRCh38, 1-based): chr9:138,120,229, C>G. VCF-style: chr9-138120229-C-G. GRCh37 (hg19) VCF-style: chr9-141014681-C-G.
Other names: c.6095C>G, p.Thr2032Ser (NM_001243812.2); short protein forms T2032S.
Identifiers: ClinVar variation 724353 (VCV000724353.15), dbSNP rs201940970, ClinGen allele CA5377605.

ClinVar aggregate classification (germline): Conflicting classifications of pathogenicity. Review status: criteria provided, conflicting classifications (1 of 4 stars). 6 submissions from 6 submitters: Uncertain significance (2); Likely benign (1). 3 of the submissions do not count toward it. Last evaluated 2026-01-18.

Conditions:
Neurodevelopmental disorder with seizures and nonepileptic hyperkinetic movements. Identifiers: MedGen C5193128, MONDO:0032784, OMIM 618497.
CACNA1B-related disorder. Also called: CACNA1B-related condition.

Allele frequency attached by ClinVar (database versions not stated): gnomAD 0.00148 and 0.00160; TOPMed 0.00164; gnomAD exomes 0.00015 and 0.00030; ExAC 0.00047; 1000 Genomes Project 30x 0.00094; 1000 Genomes Project 0.00100; ESP Exome Variant Server 0.00117.
gnomAD v4.1: 440 of 1,608,480 alleles (0.027%); highest among the groups gnomAD compares: African/African-American, 0.54%; 2 homozygotes.

Submissions (6):

Labcorp Genetics (formerly Invitae), Labcorp
Classification: Likely benign. Last evaluated: 2026-01-18. Review status: criteria provided, single submitter. Criteria: Invitae Variant Classification Sherloc (09022015). Collection method: clinical testing. Allele origin: germline.

Ambry Genetics
Classification: Uncertain significance. Last evaluated: 2025-08-29. Review status: criteria provided, single submitter. Criteria: Ambry Variant Classification Scheme 2023. Collection method: clinical testing. Allele origin: germline.

Revvity Omics, Revvity
Classification: Uncertain significance for Neurodevelopmental disorder with seizures and nonepileptic hyperkinetic movements. Last evaluated: 2023-11-08. Review status: criteria provided, single submitter. Criteria: ACMG Guidelines, 2015. Collection method: clinical testing. Allele origin: germline.

PreventionGenetics, part of Exact Sciences
Classification: Likely benign for CACNA1B-related condition. Last evaluated: 2022-05-05. Review status: no assertion criteria provided. Collection method: clinical testing. Allele origin: germline. Not counted in ClinVar's aggregate classification.
Comment: This variant is classified as likely benign based on ACMG/AMP sequence variant interpretation guidelines (Richards et al. 2015 PMID: 25741868, with internal and published modifications).

Clinical Genetics DNA and cytogenetics Diagnostics Lab, Erasmus MC, Erasmus Medical Center
Classification: Likely benign. Review status: no assertion criteria provided. Collection method: clinical testing. Allele origin: germline. Affected: yes. Study: VKGL Data-share Consensus. Not counted in ClinVar's aggregate classification.

Genome Diagnostics Laboratory, University Medical Center Utrecht
Classification: Likely benign. Review status: no assertion criteria provided. Collection method: clinical testing. Allele origin: germline. Affected: yes. Study: VKGL Data-share Consensus. Not counted in ClinVar's aggregate classification.